The following is an entry in ClinVar:

ClinVar aggregate classification (germline): Uncertain significance (1 of 4 stars; one submission).

Conditions:
Charcot-Marie-Tooth disease type 2. Also called: Charcot-Marie-Tooth type 2. Identifiers: Orphanet 64746, MedGen C0270914, MONDO:0018993.

Submission:

Labcorp Genetics (formerly Invitae), Labcorp
Classification: Uncertain significance for Charcot-Marie-Tooth disease type 2. Last evaluated: 2025-11-10. Review status: criteria provided, single submitter. Criteria: Invitae Variant Classification Sherloc (09022015). Collection method: clinical testing. Allele origin: germline.
Comment: This sequence change replaces alanine, which is neutral and non-polar, with threonine, which is neutral and polar, at codon 78 of the AARS protein (p.Ala78Thr). This variant is not present in population databases (gnomAD no frequency). This variant has not been reported in the literature in individuals affected with AARS-related conditions. Invitae Evidence Modeling of protein sequence and biophysical properties (such as structural, functional, and spatial information, amino acid conservation, physicochemical variation, residue mobility, and thermodynamic stability) indicates that this missense variant is not expected to disrupt AARS protein function with a negative predictive value of 80%. In summary, the available evidence is currently insufficient to determine the role of this variant in disease. Therefore, it has been classified as a Variant of Uncertain Significance.

NM_001605.3(AARS1):c.232G>A (p.Ala78Thr)

Gene: AARS1 (alanyl-tRNA synthetase 1; minus strand). Cytogenetic location: 16q22.1.
Variant type: single nucleotide variant.
Coding change: c.232G>A on transcript NM_001605.3 (MANE Select); coding-DNA position 232, G replaced by A.
Protein change: p.Ala78Thr; replaces alanine 78 with threonine.
Molecular consequence: missense variant.
Genome position (GRCh38, 1-based): chr16:70,277,067, C>T on the plus strand (G>A on the coding strand, the complement: AARS1 is on the minus strand). VCF-style: chr16-70277067-C-T. GRCh37 (hg19) VCF-style: chr16-70310970-C-T.
Other names: short protein forms A78T.
Identifiers: ClinVar variation 4768405 (VCV004768405.1).